The following is an entry in ClinVar:

ClinVar aggregate classification (germline): Uncertain significance (1 of 4 stars; one submission).

Submission:

GeneDx
Classification: Uncertain significance. Last evaluated: 2022-05-27. Review status: criteria provided, single submitter. Criteria: GeneDx Variant Classification Process June 2021. Collection method: clinical testing. Allele origin: germline.
Comment: Not observed at significant frequency in large population cohorts (gnomAD); In silico analysis supports that this missense variant does not alter protein structure/function; Has not been previously published as pathogenic or benign to our knowledge; Variants in candidate genes are classified as variants of uncertain significance in accordance with ACMG guidelines (Richards et al., 2015)

NM_006016.6(CD164):c.440A>G (p.Asn147Ser)

Gene: CD164 (CD164 molecule; minus strand). Cytogenetic location: 6q21.
Variant type: single nucleotide variant.
Coding change: c.440A>G on transcript NM_006016.6 (MANE Select); coding-DNA position 440, A replaced by G.
Protein change: p.Asn147Ser; replaces asparagine 147 with serine.
Molecular consequence: missense variant. On other transcripts: intron variant (1).
Genome position (GRCh38, 1-based): chr6:109,369,005, T>C on the plus strand (A>G on the coding strand, the complement: CD164 is on the minus strand). VCF-style: chr6-109369005-T-C. GRCh37 (hg19) VCF-style: chr6-109690208-T-C.
Other names: c.401A>G, p.Asn134Ser (NM_001142401.3); c.383A>G, p.Asn128Ser (NM_001142402.3); c.440A>G, p.Asn147Ser (NM_001142403.3); c.338A>G, p.Asn113Ser (NM_001346500.2); c.428-680A>G (NM_001142404.3); short protein forms N113S, N128S, N134S, N147S.
Identifiers: ClinVar variation 4888142 (VCV004888142.1).